The following is an entry in ClinVar:

NM_031885.5(BBS2):c.311A>C (p.Asp104Ala)

Gene: BBS2 (Bardet-Biedl syndrome 2; minus strand). Cytogenetic location: 16q13.
Variant type: single nucleotide variant.
Coding change: c.311A>C on transcript NM_031885.5 (MANE Select); coding-DNA position 311, A replaced by C.
Protein change: p.Asp104Ala; replaces aspartic acid 104 with alanine.
Molecular consequence: missense variant. On other transcripts: non-coding transcript variant (5).
Genome position (GRCh38, 1-based): chr16:56,514,487, T>G on the plus strand (A>C on the coding strand, the complement: BBS2 is on the minus strand). VCF-style: chr16-56514487-T-G. GRCh37 (hg19) VCF-style: chr16-56548399-T-G.
Other names: NM_031885.4(BBS2):c.311A>C; p.Asp104Ala; c.311A>C (NM_031885.4); c.311A>C, p.Asp104Ala (NM_001377456.1); short protein forms D104A.
Identifiers: ClinVar variation 4577 (VCV000004577.31), dbSNP rs121908179, ClinGen allele CA116932.

ClinVar aggregate classification (germline): Pathogenic. Review status: criteria provided, multiple submitters, no conflicts (2 of 4 stars). 16 submissions from 14 submitters: Pathogenic (12). 4 of the submissions do not count toward it. Last evaluated 2026-08-27.

Conditions:
Retinitis pigmentosa 74 (RP74). Identifiers: Orphanet 791, MedGen C4225281, MONDO:0014692, OMIM 616562.
Bardet-Biedl syndrome 2 (BBS2). Identifiers: Orphanet 110, MedGen C2936863, MONDO:0014432, OMIM 615981.
BBS2-related disorder. Also called: BBS2-related condition; BBS2-related disorders. Identifiers: MedGen CN239228.
Bardet-biedl syndrome 1/2, digenic. Identifiers: MedGen C4016957.
Retinitis pigmentosa (RP). Identifiers: Orphanet 791, MedGen C0035334, MeSH D012174, MONDO:0019200, OMIM 268000. Inheritance: Autosomal dominant, autosomal recessive and X linked inheritance.
Bardet-Biedl syndrome (BBS). Identifiers: Orphanet 110, MedGen C0752166, MONDO:0015229.

Allele frequency attached by ClinVar (database versions not stated): gnomAD 0.00003; gnomAD exomes 0.00003 and 0.00004; TOPMed 0.00003; ExAC 0.00004.
gnomAD v4.1: 46 of 1,614,032 alleles (0.0029%); highest among the groups gnomAD compares: Non-Finnish European, 0.00059%; no homozygotes.

Submissions (16):

PreventionGenetics, part of Exact Sciences
Classification: Pathogenic for BBS2-related condition. Last evaluated: 2026-08-27. Review status: criteria provided, single submitter. Criteria: ACMG Guidelines, 2015. Collection method: clinical testing. Allele origin: germline.
Comment: The BBS2 c.311A>C variant is predicted to result in the amino acid substitution p.Asp104Ala. This variant has been reported in multiple individuals with Bardet-Biedl syndrome, retinitis pigmentosa, and cone-rod dystrophy (Katsanis et al. 2001. PubMed ID: 11567139; Table S7, Consugar et al 2015. PubMed ID: 25412400; Shevach et al 2015. PubMed ID: 25541840). This variant is reported in 0.099% of alleles in individuals of Ashkenazi Jewish descent in gnomAD. This variant is interpreted as pathogenic.

Natera, Inc.
Classification: Pathogenic for Bardet-Biedl syndrome type 2. Last evaluated: 2026-01-28. Review status: criteria provided, single submitter. Criteria: Natera Variant Classification Schema (03/2026). Collection method: clinical testing. Allele origin: germline.
Comment: The c.311A>C variant in BBS2 is a missense variant predicted to cause substitution of aspartic acid to alanine at amino acid 104. This variant is rare in the general population with a frequency below the threshold expected for the associated phenotype(s). This variant has been observed in one or more individuals affected with the associated recessive disease, as either homozygous or compound heterozygous with a second variant (PMID: 23829372, 21344540, 21642631). Additionally, this variant has been observed to segregate in affected family members (PMID: 23829372). Computational prediction algorithms indicate this variant is likely to affect gene or protein function. Given the available evidence, this variant is classified as Pathogenic.

Labcorp Genetics (formerly Invitae), Labcorp
Classification: Pathogenic for Bardet-Biedl syndrome. Last evaluated: 2026-01-27. Review status: criteria provided, single submitter. Criteria: Invitae Variant Classification Sherloc (09022015). Collection method: clinical testing. Allele origin: germline.
Comment: This sequence change replaces aspartic acid, which is acidic and polar, with alanine, which is neutral and non-polar, at codon 104 of the BBS2 protein (p.Asp104Ala). This variant is present in population databases (rs121908179, gnomAD 0.1%). This missense change has been observed in individuals with Bardet-Biedl syndrome (PMID: 11567139, 21344540, 21642631, 23829372). It has also been observed to segregate with disease in related individuals. ClinVar contains an entry for this variant (Variation ID: 4577). Invitae Evidence Modeling of protein sequence and biophysical properties (such as structural, functional, and spatial information, amino acid conservation, physicochemical variation, residue mobility, and thermodynamic stability) indicates that this missense variant is expected to disrupt BBS2 protein function with a positive predictive value of 80%. Experimental studies have shown that this missense change affects BBS2 function (PMID: 20498079). For these reasons, this variant has been classified as Pathogenic.

GeneDx
Classification: Pathogenic. Last evaluated: 2024-12-18. Review status: criteria provided, single submitter. Criteria: GeneDx Variant Classification Process June 2021. Collection method: clinical testing. Allele origin: germline. Affected: yes.
Comment: Published functional studies demonstrate a damaging effect suggestive of a dominant negative mechanism (PMID: 20498079); This variant is associated with the following publications: (PMID: 25541840, 19402160, 31964843, 35112343, 11567139, 23829372, 31456290, 32037395, 20498079)

Baylor Genetics
Classification: Pathogenic for Bardet-Biedl syndrome 2. Last evaluated: 2024-03-26. Review status: criteria provided, single submitter. Criteria: ACMG Guidelines, 2015. Collection method: clinical testing. Allele origin: unknown.

Blueprint Genetics
Classification: Pathogenic for BBS2-related disorders. Last evaluated: 2024-03-21. Review status: criteria provided, single submitter. Criteria: ACMG Guidelines, 2015. Collection method: clinical testing. Allele origin: germline. Affected: yes. Observed: 5 variant alleles.

Fulgent Genetics
Classification: Pathogenic for Bardet-Biedl syndrome 2; Retinitis pigmentosa 74. Last evaluated: 2024-01-31. Review status: criteria provided, single submitter. Criteria: ACMG Guidelines, 2015. Collection method: clinical testing. Allele origin: germline.

Department of Pathology and Laboratory Medicine, Sinai Health System
Classification: Pathogenic for Bardet-Biedl syndrome. Last evaluated: 2023-04-26. Review status: criteria provided, single submitter. Criteria: ACMG Guidelines, 2015. Collection method: research. Allele origin: germline.

Broad Center for Mendelian Genomics, Broad Institute of MIT and Harvard
Classification: Pathogenic for Retinitis pigmentosa 74. Last evaluated: 2022-05-04. Review status: criteria provided, single submitter. Criteria: ACMG Guidelines, 2015. Collection method: curation. Allele origin: germline. Inheritance: Autosomal recessive inheritance.
Comment: The variant has been reported in at least 4 Ashkenazi Jewish individuals with retinitis pigmentosa 74 (PMID: 23829372), and has been identified in 0.1% (10/10080) of Ashkenazi Jewish and 0.0009% (1/113746) of European non-Finnish chromosomes by the Genome Aggregation Database (gnomAD; dbSNP ID: rs121908179). Although this variant has been seen in the general population, its frequency is not high enough to rule out a pathogenic role. This variant has also been reported in ClinVar (Variation ID: 4577) as pathogenic by Integrated Genetics/Laboratory Corporation of America, Invitae, OMIM, and Sharon lab, Hadassah-Hebrew University Medical Center, and as likely pathogenic by Counsyl and Fulgent Genetics. Animal models in zebrafish have shown that this variant causes retinitis pigmentosa 74 (PMID: 20498079). Computational prediction tools and conservation analyses suggest that this variant may impact the protein, though this information is not predictive enough to determine pathogenicity. The presence of this variant in 2 affected homozygotes, in combination with a reported pathogenic variant, and in 4 individuals with retinitis pigmentosa 74 increases the likelihood that the p.Asp104Ala variant is pathogenic (VariationID: 4578; PMID: 23829372). In summary, this variant meets criteria to be classified as pathogenic for retinitis pigmentosa 74 in an autosomal recessive manner based on its disease-causing effect in an animal model, and its homozygous occurrence and occurrence with other pathogenic variants in trans in affected individuals. ACMG/AMP Criteria applied: PS3, PM3_strong, PP3 (Richards 2015).

New York Genome Center
Classification: Pathogenic for Bardet-Biedl syndrome 2; Retinitis pigmentosa 74. Last evaluated: 2022-02-23. Review status: criteria provided, single submitter. Criteria: NYGC Assertion Criteria 2020. Collection method: clinical testing. Allele origin: germline. Observed: 1 heterozygote.

Broad Center for Mendelian Genomics, Broad Institute of MIT and Harvard
Classification: Pathogenic for Retinitis pigmentosa. Last evaluated: 2021-04-01. Review status: criteria provided, single submitter. Criteria: ACMG Guidelines, 2015. Collection method: curation. Allele origin: germline. Inheritance: Autosomal recessive inheritance. Affected: yes.
Comment: Through a review of available evidence we were able to apply the following criteria: PS3, PM2, PM3, PP1, PP3. Based on this evidence we have classified this variant as Pathogenic. If you have any questions about the classification please reach out to the Pierce Lab.

Women's Health and Genetics/Laboratory Corporation of America, LabCorp
Classification: Pathogenic for Bardet-Biedl syndrome. Last evaluated: 2016-06-30. Review status: criteria provided, single submitter. Criteria: LabCorp Variant Classification Summary - May 2015. Collection method: clinical testing. Allele origin: germline.
Comment: Variant summary: The c.311A>C (p.D104A) in BBS2 gene is a missense change that alters a conserved nucleotide and 5/5 in silico tools predict deleterious outcome. The variant was observed in the large and broad cohorts of the ExAC project at an allele frequency of 0.00005 exclusively in individuals of European descent (0.000075). This frequency does not exceed the maximal expected allele frequency for a pathogenic variant in BBS2 gene (0.0008). Fedick (2014) reports the carrier frequency of 0.473% (0.0071%) for Jewish population. The variant of interest has been reported in multiple BBS pts in compound heterozygous state and in 2 homozygous individuals presented with nonsyndromic autosomal recessive RP (Shevach, 2014). Taking together, the variant was classified as Pathogenic.

Sharon lab, Hadassah-Hebrew University Medical Center
Classification: Pathogenic for Retinitis pigmentosa. Last evaluated: 2019-06-23. Review status: no assertion criteria provided. Collection method: research. Allele origin: inherited. Affected: yes. Not counted in ClinVar's aggregate classification.

Counsyl
Classification: Likely pathogenic for Bardet-Biedl syndrome 2. Last evaluated: 2017-01-30. Review status: no assertion criteria provided. Collection method: clinical testing. Allele origin: unknown. Not counted in ClinVar's aggregate classification.

OMIM
Classification: Pathogenic for BARDET-BIEDL SYNDROME 1/2, DIGENIC. Last evaluated: 2015-03-01. Review status: no assertion criteria provided. Collection method: literature only. Allele origin: germline. Not counted in ClinVar's aggregate classification.

OMIM
Classification: Pathogenic for RETINITIS PIGMENTOSA 74. Last evaluated: 2015-03-01. Review status: no assertion criteria provided. Collection method: literature only. Allele origin: germline. Not counted in ClinVar's aggregate classification.

Literature cited by the submitters: PubMed 23829372 (cited by 5 submitters); PubMed 21344540 (cited by 5 submitters); PubMed 21642631 (cited by Natera, Inc. and Labcorp Genetics (formerly Invitae), Labcorp); PubMed 11567139 (cited by 3 submitters); PubMed 20498079 (cited by 4 submitters); PubMed 34906470 (cited by Broad Center for Mendelian Genomics, Broad Institute of MIT and Harvard); PubMed 25541840 (cited by 3 submitters); PubMed 22410627 (cited by 3 submitters); PubMed 19402160 (cited by Women's Health and Genetics/Laboratory Corporation of America, LabCorp).